The following is an entry in ClinVar:

NM_002317.7(LOX):c.875A>T (p.His292Leu)

Genes: LOX (lysyl oxidase; minus strand), SRFBP1 (serum response factor binding protein 1; plus strand). Cytogenetic location: 5q23.1.
Variant type: single nucleotide variant.
Coding change: c.875A>T on transcript NM_002317.7 (MANE Select); coding-DNA position 875, A replaced by T.
Protein change: p.His292Leu; replaces histidine 292 with leucine.
Molecular consequence: missense variant. On other transcripts: 5 prime UTR variant (1).
Genome position (GRCh38, 1-based): chr5:122,075,407, T>A on the plus strand (A>T on the coding strand, the complement: LOX is on the minus strand). VCF-style: chr5-122075407-T-A. GRCh37 (hg19) VCF-style: chr5-121411102-T-A.
Other names: c.185A>T, p.His62Leu (NM_001178102.2); c.-17A>T (NM_001317073.1); short protein forms H292L, H62L.
Identifiers: ClinVar variation 2788577 (VCV002788577.3), dbSNP rs2532911241, ClinGen allele CA360881986.

ClinVar aggregate classification (germline): Uncertain significance (1 of 4 stars; one submission).

Submission:

Labcorp Genetics (formerly Invitae), Labcorp
Classification: Uncertain significance. Last evaluated: 2023-04-06. Review status: criteria provided, single submitter. Criteria: Invitae Variant Classification Sherloc (09022015). Collection method: clinical testing. Allele origin: germline.
Comment: Advanced modeling of protein sequence and biophysical properties (such as structural, functional, and spatial information, amino acid conservation, physicochemical variation, residue mobility, and thermodynamic stability) has been performed at Invitae for this missense variant, however the output from this modeling did not meet the statistical confidence thresholds required to predict the impact of this variant on LOX protein function. In summary, the available evidence is currently insufficient to determine the role of this variant in disease. Therefore, it has been classified as a Variant of Uncertain Significance. This sequence change replaces histidine, which is basic and polar, with leucine, which is neutral and non-polar, at codon 292 of the LOX protein (p.His292Leu). This variant is not present in population databases (gnomAD no frequency). This variant has not been reported in the literature in individuals affected with LOX-related conditions.